The following is an entry in ClinVar:

NM_022437.3(ABCG8):c.1291A>G (p.Ile431Val)

Gene: ABCG8 (ATP binding cassette subfamily G member 8; plus strand). Cytogenetic location: 2p21.
Variant type: single nucleotide variant.
Coding change: c.1291A>G on transcript NM_022437.3 (MANE Select); coding-DNA position 1291, A replaced by G.
Protein change: p.Ile431Val; replaces isoleucine 431 with valine.
Molecular consequence: missense variant.
Genome position (GRCh38, 1-based): chr2:43,873,866, A>G. VCF-style: chr2-43873866-A-G. GRCh37 (hg19) VCF-style: chr2-44101005-A-G.
Other names: c.1288A>G, p.Ile430Val (NM_001357321.2); c.1291A>G (NM_022437.2); short protein forms I430V, I431V.
Identifiers: ClinVar variation 2190552 (VCV002190552.5), dbSNP rs1669864366, ClinGen allele CA346669378.

ClinVar aggregate classification (germline): Uncertain significance. Review status: criteria provided, multiple submitters, no conflicts (2 of 4 stars). 2 submissions from 2 submitters: Uncertain significance (2). Last evaluated 2024-10-04.

Conditions:
Cardiovascular phenotype. Identifiers: MedGen CN230736.

Allele frequency attached by ClinVar (database versions not stated): TOPMed below 0.00001; gnomAD exomes 0.00001.
gnomAD v4.1: 14 of 1,613,960 alleles (0.00087%); highest among the groups gnomAD compares: Non-Finnish European, 0.0012%; no homozygotes.

Submissions (2):

Ambry Genetics
Classification: Uncertain significance for Cardiovascular phenotype. Last evaluated: 2024-10-04. Review status: criteria provided, single submitter. Criteria: Ambry Variant Classification Scheme 2023. Collection method: clinical testing. Allele origin: germline.
Comment: The p.I431V variant (also known as c.1291A>G), located in coding exon 9 of the ABCG8 gene, results from an A to G substitution at nucleotide position 1291. The isoleucine at codon 431 is replaced by valine, an amino acid with highly similar properties. This amino acid position is conserved. In addition, this alteration is predicted to be tolerated by in silico analysis. Based on the available evidence, the clinical significance of this variant remains unclear.

Labcorp Genetics (formerly Invitae), Labcorp
Classification: Uncertain significance. Last evaluated: 2022-07-30. Review status: criteria provided, single submitter. Criteria: Invitae Variant Classification Sherloc (09022015). Collection method: clinical testing. Allele origin: germline.
Comment: This sequence change replaces isoleucine, which is neutral and non-polar, with valine, which is neutral and non-polar, at codon 431 of the ABCG8 protein (p.Ile431Val). This variant is not present in population databases (gnomAD no frequency). This variant has not been reported in the literature in individuals affected with ABCG8-related conditions. Algorithms developed to predict the effect of missense changes on protein structure and function (SIFT, PolyPhen-2, Align-GVGD) all suggest that this variant is likely to be tolerated. In summary, the available evidence is currently insufficient to determine the role of this variant in disease. Therefore, it has been classified as a Variant of Uncertain Significance.